The following is an entry in ClinVar:

NM_000182.5(HADHA):c.1421del (p.Ser474fs)

Genes: GAREM2 (GRB2 associated regulator of MAPK1 subtype 2; plus strand), HADHA (hydroxyacyl-CoA dehydrogenase trifunctional multienzyme complex subunit alpha; minus strand). Cytogenetic location: 2p23.3.
Variant type: Deletion.
Coding change: c.1421del on transcript NM_000182.5 (MANE Select); coding-DNA position 1421, one base deleted (G; older notation c.1421delG).
Protein change: p.Ser474fs; shifts the reading frame from serine 474.
Molecular consequence: frameshift variant.
Genome position (GRCh38, 1-based): chr2:26,197,749, C deleted on the plus strand (G on the coding strand, the reverse complement: HADHA is on the minus strand). VCF-style (leftmost placement, unchanged base first): chr2-26197748-AC-A. GRCh37 (hg19) VCF-style: chr2-26420617-AC-A.
Other names: short protein forms S474fs.
Identifiers: ClinVar variation 5015757 (VCV005015757.1).
Genomic context (GRCh38, chr2:26,197,748, plus strand): 5'-TACCTTCTCAGGTCTTTTGCTGACAGCAGCGATTTCACTGATTGGGAGAGCAGATGTGTT[AC>A]TGGCAAAGATACAGTGATCTGGAATCACCTGCAGGGGAAAAGCATTTAACAATGTGTCAG-3'

ClinVar aggregate classification (germline): Pathogenic (1 of 4 stars; one submission).

Conditions:
Long chain 3-hydroxyacyl-CoA dehydrogenase deficiency. Also called: Deficiency of long-chain 3-hydroxyacyl-coenzyme A dehydrogenase; LCHAD Deficiency. Identifiers: Orphanet 5, MedGen C3711645, MONDO:0012173, OMIM 609016.

Submission:

Myriad Genetics, Inc.
Classification: Pathogenic for Long chain 3-hydroxyacyl-CoA dehydrogenase deficiency. Last evaluated: 2026-04-02. Review status: criteria provided, single submitter. Criteria: Myriad Autosomal Dominant, Autosomal Recessive and X-Linked Classification Criteria (2023). Collection method: clinical testing. Allele origin: unknown.
Comment: NM_000182.4(HADHA):c.1421delG(S474Ifs*21) is expected to be pathogenic in the context of HADHA-related disorders. This variant is predicted to lead to an abnormal or absent protein product due to the creation of a premature termination codon in HADHA, a gene where loss-of-function variants are known to be pathogenic. Please note: this variant was assessed in the context of healthy population screening.